The following is an entry in ClinVar:

NM_020338.4(ZMIZ1):c.2037G>A (p.Leu679=)

Gene: ZMIZ1 (zinc finger MIZ-type containing 1; plus strand). Cytogenetic location: 10q22.3.
Variant type: single nucleotide variant.
Coding change: c.2037G>A on transcript NM_020338.4 (MANE Select); coding-DNA position 2037, G replaced by A.
Protein change: p.Leu679=; no amino-acid change (leucine 679 retained).
Molecular consequence: synonymous variant.
Genome position (GRCh38, 1-based): chr10:79,302,124, G>A. VCF-style: chr10-79302124-G-A. GRCh37 (hg19) VCF-style: chr10-81061881-G-A.
Identifiers: ClinVar variation 2149395 (VCV002149395.28), dbSNP rs148910140, ClinGen allele CA5572893.

ClinVar aggregate classification (germline): Likely benign. Review status: criteria provided, multiple submitters, no conflicts (2 of 4 stars). 2 submissions from 2 submitters: Likely benign (2). Last evaluated 2025-12-01.

Allele frequency attached by ClinVar (database versions not stated): 1000 Genomes Project 0.00020; gnomAD exomes 0.00021; gnomAD 0.00022; ExAC 0.00025; TOPMed 0.00027; 1000 Genomes Project 30x 0.00031; ESP Exome Variant Server 0.00031.
gnomAD v4.1: 346 of 1,613,976 alleles (0.021%); highest among the groups gnomAD compares: Non-Finnish European, 0.027%; no homozygotes.

Submissions (2):

CeGaT Center for Human Genetics Tuebingen
Classification: Likely benign. Last evaluated: 2025-12-01. Review status: criteria provided, single submitter. Criteria: CeGaT Center For Human Genetics Tuebingen Variant Classification Criteria Version 2. Collection method: clinical testing. Allele origin: germline. Affected: yes. Observed: 2 variant alleles.
Comment: ZMIZ1: BP4, BS2

Labcorp Genetics (formerly Invitae), Labcorp
Classification: Likely benign. Last evaluated: 2025-11-24. Review status: criteria provided, single submitter. Criteria: Invitae Variant Classification Sherloc (09022015). Collection method: clinical testing. Allele origin: germline.